The following is an entry in ClinVar:

NM_003221.4(TFAP2B):c.1105G>A (p.Asp369Asn)

Gene: TFAP2B (transcription factor AP-2 beta; plus strand). Cytogenetic location: 6p12.3.
Variant type: single nucleotide variant.
Coding change: c.1105G>A on transcript NM_003221.4 (MANE Select); coding-DNA position 1105, G replaced by A.
Protein change: p.Asp369Asn; replaces aspartic acid 369 with asparagine.
Molecular consequence: missense variant.
Genome position (GRCh38, 1-based): chr6:50,843,114, G>A. VCF-style: chr6-50843114-G-A. GRCh37 (hg19) VCF-style: chr6-50810827-G-A.
Other names: short protein forms D369N.
Identifiers: ClinVar variation 4743908 (VCV004743908.1).
Genomic context (GRCh38, chr6:50,843,114, plus strand): 5'-TGAGGGTGATTTTCTGTGCCTCGCCCACCCCTTTGCAGGCAACTTTGTAAAGAATTTACG[G>A]ATCTACTGGCGCAGGACCGGACACCGATAGGGAACAGCCGACCCAGCCCCATCCTGGAGC-3'
Protein context (NP_003212.2, residues 359-379): ATKQLCKEFT[Asp369Asn]LLAQDRTPIG

ClinVar aggregate classification (germline): Uncertain significance (1 of 4 stars; one submission).

Submission:

Labcorp Genetics (formerly Invitae), Labcorp
Classification: Uncertain significance. Last evaluated: 2025-12-01. Review status: criteria provided, single submitter. Criteria: Invitae Variant Classification Sherloc (09022015). Collection method: clinical testing. Allele origin: germline.
Comment: This sequence change replaces aspartic acid, which is acidic and polar, with asparagine, which is neutral and polar, at codon 369 of the TFAP2B protein (p.Asp369Asn). This variant is not present in population databases (gnomAD no frequency). This variant has not been reported in the literature in individuals affected with TFAP2B-related conditions. Invitae Evidence Modeling of protein sequence and biophysical properties (such as structural, functional, and spatial information, amino acid conservation, physicochemical variation, residue mobility, and thermodynamic stability) indicates that this missense variant is not expected to disrupt TFAP2B protein function with a negative predictive value of 80%. In summary, the available evidence is currently insufficient to determine the role of this variant in disease. Therefore, it has been classified as a Variant of Uncertain Significance.